The following is an entry in ClinVar:

NC_000003.12:g.(?_15451634)_(15521635_?)dup

Gene: COLQ (collagen like tail subunit of asymmetric acetylcholinesterase; minus strand). Cytogenetic location: 3p25.1.
Variant type: Duplication.
Identifiers: ClinVar variation 833150 (VCV000833150.2).

ClinVar aggregate classification (germline): Uncertain significance (1 of 4 stars; one submission).

Conditions:
Congenital myasthenic syndrome 5. Identifiers: Orphanet 590, MedGen C1864233, MONDO:0011281, OMIM 603034.

Submission:

Labcorp Genetics (formerly Invitae), Labcorp
Classification: Uncertain significance for Congenital myasthenic syndrome 5. Last evaluated: 2019-07-08. Review status: criteria provided, single submitter. Criteria: Invitae Variant Classification Sherloc (09022015). Collection method: clinical testing. Allele origin: germline.
Comment: This variant results in a copy number gain of the genomic region encompassing the full coding sequence of the COLQ gene. The boundaries of this event are unknown as they extend beyond the assayed region for this gene and therefore may encompass additional genes. As the precise location of this event is unknown, it may be in tandem or it may be located elsewhere in the genome. This variant has not been reported in the literature in individuals with COLQ-related conditions. In summary, the available evidence is currently insufficient to determine the role of this variant in disease. Therefore, it has been classified as a Variant of Uncertain Significance.